The following is an entry in ClinVar:

ClinVar aggregate classification (germline): Uncertain significance (1 of 4 stars; one submission).

Submission:

Labcorp Genetics (formerly Invitae), Labcorp
Classification: Uncertain significance. Last evaluated: 2025-08-29. Review status: criteria provided, single submitter. Criteria: Invitae Variant Classification Sherloc (09022015). Collection method: clinical testing. Allele origin: germline.
Comment: This sequence change replaces proline, which is neutral and non-polar, with arginine, which is basic and polar, at codon 1530 of the ALPK3 protein (p.Pro1530Arg). This variant is not present in population databases (gnomAD no frequency). This variant has not been reported in the literature in individuals affected with ALPK3-related conditions. Invitae Evidence Modeling of protein sequence and biophysical properties (such as structural, functional, and spatial information, amino acid conservation, physicochemical variation, residue mobility, and thermodynamic stability) indicates that this missense variant is expected to disrupt ALPK3 protein function with a positive predictive value of 80%. Algorithms developed to predict the effect of sequence changes on RNA splicing suggest that this variant may disrupt the consensus splice site. In summary, the available evidence is currently insufficient to determine the role of this variant in disease. Therefore, it has been classified as a Variant of Uncertain Significance.

NM_020778.5(ALPK3):c.3983C>G (p.Pro1328Arg)

Gene: ALPK3 (alpha kinase 3; plus strand). Cytogenetic location: 15q25.3.
Variant type: single nucleotide variant.
Coding change: c.3983C>G on transcript NM_020778.5 (MANE Select); coding-DNA position 3983, C replaced by G.
Protein change: p.Pro1328Arg; replaces proline 1328 with arginine.
Molecular consequence: missense variant.
Genome position (GRCh38, 1-based): chr15:84,859,793, C>G. VCF-style: chr15-84859793-C-G. GRCh37 (hg19) VCF-style: chr15-85403024-C-G.
Other names: short protein forms P1328R.
Identifiers: ClinVar variation 4780055 (VCV004780055.1).
Genomic context (GRCh38, chr15:84,859,793, plus strand): 5'-CCCCCATGCCATGGCCCTCACGAGTAGGGTCTCCACTCTGCAGCGCAGGGGATGAGGGGC[C>G]GGCGGCCTTGGCCATCGTGCAGGCCTCCCCCGTAGACTGCGGTGTGTATCGGTGCACCAT-3'
Protein context (NP_065829.4, residues 1318-1338): EVGRSAGDEG[Pro1328Arg]AALAIVQASP